The following is an entry in ClinVar:

ClinVar aggregate classification (germline): Benign (1 of 4 stars; one submission).

Conditions:
DICER1-related tumor predisposition. Also called: DICER1 syndrome; DICER1-related pleuropulmonary blastoma cancer predisposition syndrome. Identifiers: Orphanet 284343, MedGen C3839822, MONDO:0100216.

Submission:

Myriad Genetics, Inc.
Classification: Benign for DICER1-related tumor predisposition. Last evaluated: 2026-08-17. Review status: criteria provided, single submitter. Criteria: Myriad Autosomal Dominant, Autosomal Recessive and X-Linked Classification Criteria (2023). Collection method: clinical testing. Allele origin: unknown.
Comment: This variant is considered benign. This variant is a silent/synonymous amino acid change and it is not expected to impact splicing.

NM_177438.3(DICER1):c.267C>T (p.Phe89=)

Gene: DICER1 (dicer 1, ribonuclease III; minus strand). Cytogenetic location: 14q32.13.
Variant type: single nucleotide variant.
Coding change: c.267C>T on transcript NM_177438.3 (MANE Select); coding-DNA position 267, C replaced by T.
Protein change: p.Phe89=; no amino-acid change (phenylalanine 89 retained).
Molecular consequence: synonymous variant. On other transcripts: 5 prime UTR variant (9), non-coding transcript variant (6).
Genome position (GRCh38, 1-based): chr14:95,132,555, G>A on the plus strand (C>T on the coding strand, the complement: DICER1 is on the minus strand). VCF-style: chr14-95132555-G-A. GRCh37 (hg19) VCF-style: chr14-95598892-G-A.
Other names: c.267C>T, p.Phe89= (NM_001195573.1, NM_001271282.3, NM_001291628.2 and 14 more transcripts); c.-8C>T (NM_001395686.1, NM_001395687.1, NM_001395688.1 and 4 more transcripts); c.-192C>T (NM_001395691.1); c.-1302C>T (NM_001395697.1).
Identifiers: ClinVar variation 5042232 (VCV005042232.1).